The following is an entry in ClinVar:

ClinVar aggregate classification (germline): Uncertain significance. Review status: criteria provided, single submitter (1 of 4 stars). 2 submissions from 2 submitters: Uncertain significance (1). 1 of the submissions does not count toward it. Last evaluated 2020-08-08.

Conditions:
VPS13B-related disorder. Also called: VPS13B-related condition.
Cohen syndrome (COH1). Also called: PEPPER SYNDROME; Cutis verticis gyrata, retinitis pigmentosa, and sensorineural deafness. Identifiers: Orphanet 193, MedGen C0265223, MONDO:0008999, OMIM 216550.

Allele frequency attached by ClinVar (database versions not stated): gnomAD 0.00001; gnomAD exomes 0.00001; TOPMed 0.00001.

Submissions (2):

Labcorp Genetics (formerly Invitae), Labcorp
Classification: Uncertain significance for Cohen syndrome. Last evaluated: 2020-08-08. Review status: criteria provided, single submitter. Criteria: Invitae Variant Classification Sherloc (09022015). Collection method: clinical testing. Allele origin: germline.
Comment: This variant is not present in population databases (ExAC no frequency). This variant has not been reported in the literature in individuals with VPS13B-related disease. In summary, the available evidence is currently insufficient to determine the role of this variant in disease. Therefore, it has been classified as a Variant of Uncertain Significance.

PreventionGenetics, part of Exact Sciences
Classification: Uncertain significance for VPS13B-related condition. Last evaluated: 2024-09-06. Review status: no assertion criteria provided. Collection method: clinical testing. Allele origin: germline. Not counted in ClinVar's aggregate classification.
Comment: The VPS13B c.2956C>T variant is predicted to result in the amino acid substitution p.Leu986Phe. To our knowledge, this variant has not been reported in the literature or in gnomAD, indicating this variant is rare. At this time, the clinical significance of this variant is uncertain due to the absence of conclusive functional and genetic evidence.

NM_152564.5(VPS13B):c.2956C>T (p.Leu986Phe)

Gene: VPS13B (vacuolar protein sorting 13 homolog B; plus strand). Cytogenetic location: 8q22.2.
Variant type: single nucleotide variant.
Coding change: c.2956C>T on transcript NM_152564.5 (MANE Select); coding-DNA position 2956, C replaced by T.
Protein change: p.Leu986Phe; replaces leucine 986 with phenylalanine.
Molecular consequence: missense variant.
Genome position (GRCh38, 1-based): chr8:99,391,578, C>T. VCF-style: chr8-99391578-C-T. GRCh37 (hg19) VCF-style: chr8-100403806-C-T.
Other names: c.2956C>T (NM_152564.4); c.2956C>T, p.Leu986Phe (NM_017890.5); short protein forms L986F.
Identifiers: ClinVar variation 1053112 (VCV001053112.2), dbSNP rs1262733224, ClinGen allele CA371865610.